The following is an entry in ClinVar:

ClinVar aggregate classification (germline): Uncertain significance (1 of 4 stars; one submission).

Conditions:
Epidermodysplasia verruciformis. Identifiers: Orphanet 302, MedGen C0014522, MONDO:0009176.

gnomAD v4.1: 9 of 1,558,982 alleles (0.00058%); highest among the groups gnomAD compares: East Asian, 0.014%; no homozygotes.

Submission:

Labcorp Genetics (formerly Invitae), Labcorp
Classification: Uncertain significance for Epidermodysplasia verruciformis. Last evaluated: 2018-06-13. Review status: criteria provided, single submitter. Criteria: Invitae Variant Classification Sherloc (09022015). Collection method: clinical testing. Allele origin: germline.
Comment: In summary, the available evidence is currently insufficient to determine the role of this variant in disease. Therefore, it has been classified as a Variant of Uncertain Significance. Algorithms developed to predict the effect of missense changes on protein structure and function output the following: SIFT: "Tolerated"; PolyPhen-2: "Benign"; Align-GVGD: "Class C0". The¬†arginine¬†amino acid residue is found in multiple mammalian species, suggesting that this missense change does not adversely affect protein function. These predictions have not been confirmed by published functional studies and their clinical significance is uncertain. This variant has not been reported in the literature in individuals with TMC6-related disease. This variant is not present in population databases (ExAC no frequency). This sequence change replaces glycine¬†with arginine¬†at codon 118 of the TMC6 protein (p.Gly118Arg). The glycine¬†residue is weakly conserved and there is a moderate physicochemical difference between glycine and¬†arginine.

NM_001127198.5(TMC6):c.352G>C (p.Gly118Arg)

Gene: TMC6 (transmembrane channel like 6; minus strand). Cytogenetic location: 17q25.3.
Variant type: single nucleotide variant.
Coding change: c.352G>C on transcript NM_001127198.5 (MANE Select); coding-DNA position 352, G replaced by C.
Protein change: p.Gly118Arg; replaces glycine 118 with arginine.
Molecular consequence: missense variant. On other transcripts: non-coding transcript variant (4).
Genome position (GRCh38, 1-based): chr17:78,125,804, C>G on the plus strand (G>C on the coding strand, the complement: TMC6 is on the minus strand). VCF-style: chr17-78125804-C-G. GRCh37 (hg19) VCF-style: chr17-76121885-C-G.
Other names: c.352G>C, p.Gly118Arg (NM_001321185.1, NM_001374593.1, NM_001374594.1 and 4 more transcripts); short protein forms G118R.
Identifiers: ClinVar variation 577744 (VCV000577744.6), dbSNP rs762117152, ClinGen allele CA401235089.